The following is an entry in ClinVar:

NM_001127222.2(CACNA1A):c.5840-14G>A

Gene: CACNA1A (calcium voltage-gated channel subunit alpha1 A; minus strand). Cytogenetic location: 19p13.13.
Variant type: single nucleotide variant.
Coding change: c.5840-14G>A on transcript NM_001127222.2 (MANE Select); 14 bases into the intron before coding-DNA position 5840, G replaced by A.
Molecular consequence: intron variant.
Genome position (GRCh38, 1-based): chr19:13,214,347, C>T on the plus strand (G>A on the coding strand, the complement: CACNA1A is on the minus strand). VCF-style: chr19-13214347-C-T. GRCh37 (hg19) VCF-style: chr19-13325161-C-T.
Other names: c.5843-14G>A (NM_001127221.2); c.5849-14G>A (NM_001174080.2); c.5858-14G>A (NM_000068.4, NM_023035.3).
Identifiers: ClinVar variation 382879 (VCV000382879.10), dbSNP rs184658006, ClinGen allele CA9239565.
Genomic context (GRCh38, chr19:13,214,347, plus strand): 5'-CATGATCATCATGGCTGCGTAGATCTTCCCCACGGTGAGGTCCGTGGCTGGGGGCACACA[C>T]ACGGTGAGCTCACCAAGGGCAGGCCTCTTTGGGGCCCTTGTCCTGGGTCCCTGTGTATAC-3'

ClinVar aggregate classification (germline): Benign/Likely benign. Review status: criteria provided, multiple submitters, no conflicts (2 of 4 stars). 3 submissions from 3 submitters: Benign (1); Likely benign (2). Last evaluated 2026-02-03.

Conditions:
Developmental and epileptic encephalopathy, 42 (DEE42A). Also called: Epileptic encephalopathy, early infantile, 42; DEVELOPMENTAL AND EPILEPTIC ENCEPHALOPATHY 42A; EPILEPTIC ENCEPHALOPATHY, EARLY INFANTILE, 42A. Identifiers: MedGen C4310716, MONDO:0014917, OMIM 617106.
Episodic ataxia type 2 (EA2). Also called: CEREBELLAR ATAXIA, PAROXYSMAL, ACETAZOLAMIDE-RESPONSIVE; CEREBELLOPATHY, HEREDITARY PAROXYSMAL; EPISODIC ATAXIA, NYSTAGMUS-ASSOCIATED; ATAXIA, EPISODIC, WITH NYSTAGMUS; ATAXIA, FAMILIAL PAROXYSMAL; ACETAZOLAMIDE-RESPONSIVE HEREDITARY PAROXYSMAL CEREBELLAR ATAXIA. Identifiers: Orphanet 97, MedGen C1720416, MONDO:0007163, OMIM 108500.

Allele frequency attached by ClinVar (database versions not stated): 1000 Genomes Project 30x 0.00031; 1000 Genomes Project 0.00040; gnomAD exomes 0.00057 and 0.00127; ExAC 0.00064; ESP Exome Variant Server 0.00071; gnomAD 0.00082 and 0.00083; TOPMed 0.00092.
gnomAD v4.1: 1,971 of 1,611,726 alleles (0.12%); highest among the groups gnomAD compares: Non-Finnish European, 0.15%; 1 homozygote.

Submissions (3):

Labcorp Genetics (formerly Invitae), Labcorp
Classification: Benign for Developmental and epileptic encephalopathy, 42; Episodic ataxia type 2. Last evaluated: 2026-02-03. Review status: criteria provided, single submitter. Criteria: Invitae Variant Classification Sherloc (09022015). Collection method: clinical testing. Allele origin: germline.

Blueprint Genetics
Classification: Likely benign. Last evaluated: 2024-11-14. Review status: criteria provided, single submitter. Criteria: ACMG Guidelines, 2015. Collection method: clinical testing. Allele origin: germline.

GeneDx
Classification: Likely benign. Last evaluated: 2018-03-08. Review status: criteria provided, single submitter. Criteria: GeneDx Variant Classification (06012015). Collection method: clinical testing. Allele origin: germline. Affected: yes.
Comment: This variant is considered likely benign or benign based on one or more of the following criteria: it is a conservative change, it occurs at a poorly conserved position in the protein, it is predicted to be benign by multiple in silico algorithms, and/or has population frequency not consistent with disease.